The following is an entry in ClinVar:

NM_002180.3(IGHMBP2):c.1208A>G (p.Gln403Arg)

Gene: IGHMBP2 (immunoglobulin mu DNA binding protein 2; plus strand). Cytogenetic location: 11q13.3.
Variant type: single nucleotide variant.
Coding change: c.1208A>G on transcript NM_002180.3 (MANE Select); coding-DNA position 1208, A replaced by G.
Protein change: p.Gln403Arg; replaces glutamine 403 with arginine.
Molecular consequence: missense variant.
Genome position (GRCh38, 1-based): chr11:68,929,330, A>G. VCF-style: chr11-68929330-A-G. GRCh37 (hg19) VCF-style: chr11-68696798-A-G.
Other names: short protein forms Q403R.
Identifiers: ClinVar variation 466574 (VCV000466574.9), dbSNP rs1555246489, ClinGen allele CA381647818.
Genomic context (GRCh38, chr11:68,929,330, plus strand): 5'-CGAGCTGCTGGATCCCCCTGCTGAAGGCCAGAAAGTGCATCCTGGCGGGCGATCACAAGC[A>G]GCTGCCCCCCACCACAGTCTCTCACAAGTAAGACCCCTTTGCCTCACATGCCCTTCTCTG-3'
Protein context (NP_002171.2, residues 393-413): RKCILAGDHK[Gln403Arg]LPPTTVSHKA

ClinVar aggregate classification (germline): Uncertain significance (1 of 4 stars; one submission).

Conditions:
Charcot-Marie-Tooth disease axonal type 2S. Also called: CHARCOT-MARIE-TOOTH NEUROPATHY, TYPE 2S; CHARCOT-MARIE-TOOTH DISEASE, AXONAL, AUTOSOMAL RECESSIVE, TYPE 2S. Identifiers: Orphanet 443073, MedGen C4015349, MONDO:0014511, OMIM 616155.
Autosomal recessive distal spinal muscular atrophy 1. Also called: NEURONOPATHY, DISTAL HEREDITARY MOTOR, HARDING TYPE VI; NEUROPATHY, DISTAL HEREDITARY MOTOR, AUTOSOMAL RECESSIVE 1; HMN VI; NEURONOPATHY, SEVERE INFANTILE AXONAL, WITH RESPIRATORY FAILURE; SEVERE INFANTILE AXONAL NEUROPATHY WITH RESPIRATORY FAILURE; SPINAL MUSCULAR ATROPHY, DIAPHRAGMATIC. Identifiers: Orphanet 98920, MedGen C1858517, MONDO:0011436, OMIM 604320.

Submission:

Labcorp Genetics (formerly Invitae), Labcorp
Classification: Uncertain significance for Autosomal recessive distal spinal muscular atrophy 1; Charcot-Marie-Tooth disease axonal type 2S. Last evaluated: 2017-06-13. Review status: criteria provided, single submitter. Criteria: Invitae Variant Classification Sherloc (09022015). Collection method: clinical testing. Allele origin: germline.
Comment: In summary, this variant is a novel missense change with uncertain impact on protein function. It has been classified as a Variant of Uncertain Significance. Algorithms developed to predict the effect of missense changes on protein structure and function do not agree on the potential impact of this missense change (SIFT: "Deleterious"; PolyPhen-2: "Probably Damaging"; Align-GVGD: "Class C0"). This variant is not present in population databases (ExAC no frequency) and has not been reported in the literature in individuals with a IGHMBP2-related disease. This sequence change replaces glutamine with arginine at codon 403 of the IGHMBP2 protein (p.Gln403Arg). The glutamine residue is highly conserved and there is a small physicochemical difference between glutamine and arginine.